The following is an entry in ClinVar:

ClinVar aggregate classification (germline): Likely benign. Review status: criteria provided, multiple submitters, no conflicts (2 of 4 stars). 4 submissions from 4 submitters: Likely benign (4). Last evaluated 2026-02-02.

Conditions:
Medulloblastoma (MDB). Also called: MEDULLOBLASTOMA PREDISPOSITION SYNDROME; Medulloblastoma, somatic. Identifiers: Orphanet 616, MedGen C0025149, MeSH D008527, MONDO:0007959, OMIM 155255, HP:0002885.
Gorlin syndrome. Also called: Nevoid Basal Cell Carcinoma Syndrome; Basal cell nevus syndrome. Identifiers: Orphanet 377, MedGen C0004779, MONDO:0007187.
Hereditary cancer-predisposing syndrome. Also called: Tumor predisposition; Hereditary neoplastic syndrome; Hereditary Cancer Syndrome; Neoplastic Syndromes, Hereditary. Identifiers: Orphanet 140162, MedGen C0027672, MeSH D009386, MONDO:0015356.

Allele frequency attached by ClinVar (database versions not stated): TOPMed 0.00002; gnomAD 0.00003.
gnomAD v4.1: 21 of 1,614,184 alleles (0.0013%); highest among the groups gnomAD compares: East Asian, 0.016%; no homozygotes.

Submissions (4):

Labcorp Genetics (formerly Invitae), Labcorp
Classification: Likely benign for Gorlin syndrome; Medulloblastoma. Last evaluated: 2026-02-02. Review status: criteria provided, single submitter. Criteria: Invitae Variant Classification Sherloc (09022015). Collection method: clinical testing. Allele origin: germline.

CeGaT Center for Human Genetics Tuebingen
Classification: Likely benign. Last evaluated: 2025-11-01. Review status: criteria provided, single submitter. Criteria: CeGaT Center For Human Genetics Tuebingen Variant Classification Criteria Version 2. Collection method: clinical testing. Allele origin: germline. Affected: yes. Observed: 1 variant allele.
Comment: SUFU: BP4, BP7

Blueprint Genetics
Classification: Likely benign. Last evaluated: 2023-09-07. Review status: criteria provided, single submitter. Criteria: ACMG Guidelines, 2015. Collection method: clinical testing. Allele origin: germline.

Ambry Genetics
Classification: Likely benign for Hereditary cancer-predisposing syndrome. Last evaluated: 2019-05-03. Review status: criteria provided, single submitter. Criteria: Ambry Variant Classification Scheme 2023. Collection method: clinical testing. Allele origin: germline.

NM_016169.4(SUFU):c.1428C>T (p.Asp476=)

Gene: SUFU (SUFU negative regulator of hedgehog signaling; plus strand). Cytogenetic location: 10q24.32.
Variant type: single nucleotide variant.
Coding change: c.1428C>T on transcript NM_016169.4 (MANE Select); coding-DNA position 1428, C replaced by T.
Protein change: p.Asp476=; no amino-acid change (aspartic acid 476 retained).
Molecular consequence: synonymous variant.
Genome position (GRCh38, 1-based): chr10:102,630,128, C>T. VCF-style: chr10-102630128-C-T. GRCh37 (hg19) VCF-style: chr10-104389885-C-T.
Identifiers: ClinVar variation 413914 (VCV000413914.23), dbSNP rs777069460, ClinGen allele CA5668004.